The following is an entry in ClinVar:

ClinVar aggregate classification (germline): Uncertain significance. Review status: criteria provided, multiple submitters, no conflicts (2 of 4 stars). 4 submissions from 4 submitters: Uncertain significance (4). Last evaluated 2025-08-07.

Conditions:
Sessile serrated polyposis cancer syndrome (SSPCS). Identifiers: Orphanet 157798, MedGen C4310714, MONDO:0014919, OMIM 617108.

Allele frequency attached by ClinVar (database versions not stated): gnomAD 0.00001; gnomAD exomes 0.00001 and 0.00003; TOPMed 0.00001; ExAC 0.00006.
gnomAD v4.1: 11 of 1,566,228 alleles (0.0007%); highest among the groups gnomAD compares: African/African-American, 0.0041%; no homozygotes.

Submissions (4):

Labcorp Genetics (formerly Invitae), Labcorp
Classification: Uncertain significance. Last evaluated: 2025-08-07. Review status: criteria provided, single submitter. Criteria: Invitae Variant Classification Sherloc (09022015). Collection method: clinical testing. Allele origin: germline.
Comment: This sequence change replaces arginine, which is basic and polar, with cysteine, which is neutral and slightly polar, at codon 389 of the RNF43 protein (p.Arg389Cys). The frequency data for this variant in the population databases is considered unreliable, as metrics indicate poor data quality at this position in the gnomAD database. This variant has not been reported in the literature in individuals affected with RNF43-related conditions. ClinVar contains an entry for this variant (Variation ID: 1413485). An algorithm developed to predict the effect of missense changes on protein structure and function (PolyPhen-2) suggests that this variant is likely to be tolerated. In summary, the available evidence is currently insufficient to determine the role of this variant in disease. Therefore, it has been classified as a Variant of Uncertain Significance.

Ambry Genetics
Classification: Uncertain significance. Last evaluated: 2025-06-06. Review status: criteria provided, single submitter. Criteria: Ambry Variant Classification Scheme 2023. Collection method: clinical testing. Allele origin: germline.
Comment: The p.R389C variant (also known as c.1165C>T), located in coding exon 8 of the RNF43 gene, results from a C to T substitution at nucleotide position 1165. The arginine at codon 389 is replaced by cysteine, an amino acid with highly dissimilar properties. This amino acid position is conserved. In addition, this alteration is predicted to be tolerated by in silico analysis. Based on the available evidence, the clinical significance of this variant remains unclear.

Revvity Omics, Revvity
Classification: Uncertain significance for Sessile serrated polyposis cancer syndrome. Last evaluated: 2024-11-13. Review status: criteria provided, single submitter. Criteria: ACMG Guidelines, 2015. Collection method: clinical testing. Allele origin: germline.

Baylor Genetics
Classification: Uncertain significance for Sessile serrated polyposis cancer syndrome. Last evaluated: 2023-08-20. Review status: criteria provided, single submitter. Criteria: ACMG Guidelines, 2015. Collection method: clinical testing. Allele origin: unknown.

NM_017763.6(RNF43):c.1165C>T (p.Arg389Cys)

Gene: RNF43 (ring finger protein 43; minus strand). Cytogenetic location: 17q22.
Variant type: single nucleotide variant.
Coding change: c.1165C>T on transcript NM_017763.6 (MANE Select); coding-DNA position 1165, C replaced by T.
Protein change: p.Arg389Cys; replaces arginine 389 with cysteine.
Molecular consequence: missense variant.
Genome position (GRCh38, 1-based): chr17:58,358,611, G>A on the plus strand (C>T on the coding strand, the complement: RNF43 is on the minus strand). VCF-style: chr17-58358611-G-A. GRCh37 (hg19) VCF-style: chr17-56435972-G-A.
Other names: c.1165C>T, p.Arg389Cys (NM_001305544.3); c.784C>T, p.Arg262Cys (NM_001305545.2); c.1165C>T (NM_017763.4); short protein forms R262C, R389C.
Identifiers: ClinVar variation 1413485 (VCV001413485.11), dbSNP rs747686258, ClinGen allele CA8673225.
Genomic context (GRCh38, chr17:58,358,611, plus strand): 5'-GGGCTCCTGCCAGGCGCTGCTGCTCTCCTGGAGCCCGGGGATGTGCAGCTCTGGGGAAGC[G>A]GTGATGCCGAGGGCCCATGCCTGGCTCCTGGGATGGCAGGAAGGGACCAGGTCGTGGGGG-3'
Protein context (NP_060233.3, residues 379-399): QEPGMGPRHH[Arg389Cys]FPRAAHPRAP